The following is an entry in ClinVar:

NM_000256.3(MYBPC3):c.2149-3C>A

Gene: MYBPC3 (myosin binding protein C3; minus strand). Cytogenetic location: 11p11.2.
Variant type: single nucleotide variant.
Coding change: c.2149-3C>A on transcript NM_000256.3 (MANE Select); 3 bases into the intron before coding-DNA position 2149, C replaced by A.
Molecular consequence: intron variant.
Genome position (GRCh38, 1-based): chr11:47,338,682, G>T on the plus strand (C>A on the coding strand, the complement: MYBPC3 is on the minus strand). VCF-style: chr11-47338682-G-T. GRCh37 (hg19) VCF-style: chr11-47360233-G-T.
Identifiers: ClinVar variation 1786684 (VCV001786684.9), dbSNP rs113182334, ClinGen allele CA221690112.

ClinVar aggregate classification (germline): Uncertain significance. Review status: criteria provided, multiple submitters, no conflicts (2 of 4 stars). 3 submissions from 3 submitters: Uncertain significance (3). Last evaluated 2024-04-25.

Conditions:
Hypertrophic cardiomyopathy. Also called: HYPERTROPHIC MYOCARDIOPATHY. Identifiers: Orphanet 217569, MedGen C0007194, MeSH D002312, MONDO:0005045, HP:0001639.
Cardiovascular phenotype. Identifiers: MedGen CN230736.

Submissions (3):

All of Us Research Program, National Institutes of Health
Classification: Uncertain significance for Hypertrophic cardiomyopathy. Last evaluated: 2024-04-25. Review status: criteria provided, single submitter. Criteria: ACMG Guidelines, 2015. Collection method: clinical testing. Allele origin: germline. Inheritance: Autosomal dominant inheritance. Observed: 1 variant allele, 1 heterozygote.
Comment: This variant causes a C to A nucleotide substitution at the -3 position of intron 22 of the MYBPC3 gene. To our knowledge, RNA studies have not been reported for this variant. This variant has been reported in one individual affected with hypertrophic cardiomyopathy (PMID: 35508642). This variant has not been identified in the general population by the Genome Aggregation Database (gnomAD). The available evidence is insufficient to determine the role of this variant in disease conclusively. Therefore, this variant is classified as a Variant of Uncertain Significance.

This study involves interpretation of variants in research participants for the purpose of population health screening. Participant phenotype was not available at the time of variant classification. Additional details can be found in publication PMID: 35346344, PMCID: PMC8962531

Ambry Genetics
Classification: Uncertain significance for Cardiovascular phenotype. Last evaluated: 2023-03-29. Review status: criteria provided, single submitter. Criteria: Ambry Variant Classification Scheme 2023. Collection method: clinical testing. Allele origin: germline.
Comment: The c.2149-3C>A intronic variant results from a C to A substitution 3 nucleotides upstream from coding exon 23 in the MYBPC3 gene. This nucleotide position is well conserved in available vertebrate species. In silico splice site analysis predicts that this alteration will not have any significant effect on splicing; however, direct evidence is not available. Since supporting evidence is limited at this time, the clinical significance of this alteration remains unclear.

Labcorp Genetics (formerly Invitae), Labcorp
Classification: Uncertain significance for Hypertrophic cardiomyopathy. Last evaluated: 2023-02-04. Review status: criteria provided, single submitter. Criteria: Invitae Variant Classification Sherloc (09022015). Collection method: clinical testing. Allele origin: germline.
Comment: This sequence change falls in intron 22 of the MYBPC3 gene. It does not directly change the encoded amino acid sequence of the MYBPC3 protein. It affects a nucleotide within the consensus splice site. This variant is not present in population databases (gnomAD no frequency). This variant has not been reported in the literature in individuals affected with MYBPC3-related conditions. ClinVar contains an entry for this variant (Variation ID: 1786684). Variants that disrupt the consensus splice site are a relatively common cause of aberrant splicing (PMID: 17576681, 9536098). Algorithms developed to predict the effect of sequence changes on RNA splicing suggest that this variant may create or strengthen a splice site. In summary, the available evidence is currently insufficient to determine the role of this variant in disease. Therefore, it has been classified as a Variant of Uncertain Significance.

Literature cited by the submitters: PubMed 35508642 (cited by All of Us Research Program, National Institutes of Health); PubMed 17576681 (cited by Labcorp Genetics (formerly Invitae), Labcorp); PubMed 9536098 (cited by Labcorp Genetics (formerly Invitae), Labcorp).